The following is an entry in ClinVar:

ClinVar aggregate classification (germline): Likely benign (0 of 4 stars; one submission).

Conditions:
NTRK2-related disorder. Also called: NTRK2-related condition.

gnomAD v4.1: 16 of 1,613,446 alleles (0.00099%); highest among the groups gnomAD compares: Middle Eastern, 0.016%; no homozygotes.

Submission:

PreventionGenetics, part of Exact Sciences
Classification: Likely benign for NTRK2-related condition. Last evaluated: 2021-07-27. Review status: no assertion criteria provided. Collection method: clinical testing. Allele origin: germline.
Comment: This variant is classified as likely benign based on ACMG/AMP sequence variant interpretation guidelines (Richards et al. 2015 PMID: 25741868, with internal and published modifications).

NM_006180.6(NTRK2):c.1212G>A (p.Ala404=)

Gene: NTRK2 (neurotrophic receptor tyrosine kinase 2; plus strand). Cytogenetic location: 9q21.33.
Variant type: single nucleotide variant.
Coding change: c.1212G>A on transcript NM_006180.6 (MANE Select); coding-DNA position 1212, G replaced by A.
Protein change: p.Ala404=; no amino-acid change (alanine 404 retained).
Molecular consequence: synonymous variant.
Genome position (GRCh38, 1-based): chr9:84,744,989, G>A. VCF-style: chr9-84744989-G-A. GRCh37 (hg19) VCF-style: chr9-87359904-G-A.
Other names: c.1212G>A, p.Ala404= (NM_001007097.3, NM_001018064.3, NM_001018065.2 and 15 more transcripts); c.1173G>A, p.Ala391= (NM_001291937.2, NM_001369546.1); c.1176G>A, p.Ala392= (NM_001369534.1); c.744G>A, p.Ala248= (NM_001369535.1, NM_001369536.1, NM_001369550.1 and 2 more transcripts).
Identifiers: ClinVar variation 3357654 (VCV003357654.1).
Genomic context (GRCh38, chr9:84,744,989, plus strand): 5'-TGACAACTTCATGTTCTTCCTCATTCCCCCTTTGCCCACTTAAGATTATGGAACTGCAGC[G>A]AATGACATCGGGGACACCACGAACAGAAGTAATGAAATCCCTTCCACAGACGTCACTGAT-3'
Protein context (NP_006171.2, residues 394-414): DVIYEDYGTA[Ala404=]NDIGDTTNRS